The following is an entry in ClinVar:

NM_133259.4(LRPPRC):c.3570-3C>T

Gene: LRPPRC (leucine rich pentatricopeptide repeat containing; minus strand). Cytogenetic location: 2p21.
Variant type: single nucleotide variant.
Coding change: c.3570-3C>T on transcript NM_133259.4 (MANE Select); 3 bases into the intron before coding-DNA position 3570, C replaced by T.
Molecular consequence: intron variant.
Genome position (GRCh38, 1-based): chr2:43,899,608, G>A on the plus strand (C>T on the coding strand, the complement: LRPPRC is on the minus strand). VCF-style: chr2-43899608-G-A. GRCh37 (hg19) VCF-style: chr2-44126747-G-A.
Identifiers: ClinVar variation 138153 (VCV000138153.33), dbSNP rs35113761, ClinGen allele CA291987.

ClinVar aggregate classification (germline): Benign. Review status: criteria provided, multiple submitters, no conflicts (2 of 4 stars). 8 submissions from 8 submitters: Benign (6). 2 of the submissions do not count toward it. Last evaluated 2026-02-04.

Conditions:
Congenital lactic acidosis, Saguenay-Lac-Saint-Jean type (MC4DN5). Also called: CYTOCHROME c OXIDASE DEFICIENCY, FRENCH CANADIAN TYPE; COX DEFICIENCY, FRENCH CANADIAN TYPE; MITOCHONDRIAL COMPLEX IV DEFICIENCY, NUCLEAR TYPE 5. Identifiers: Orphanet 70472, MedGen C1857355, MONDO:0009069, OMIM 220111.

Allele frequency attached by ClinVar (database versions not stated): 1000 Genomes Project 0.01957; 1000 Genomes Project 30x 0.02077; TOPMed 0.02868; gnomAD 0.02870 and 0.02876; ESP Exome Variant Server 0.02876; gnomAD exomes 0.03084 and 0.03520; ExAC 0.03416.

Submissions 1 to 31 of 110:

Labcorp Genetics (formerly Invitae), Labcorp
Classification: Benign. Last evaluated: 2026-02-04. Review status: criteria provided, single submitter. Criteria: Invitae Variant Classification Sherloc (09022015). Collection method: clinical testing. Allele origin: germline.

ARUP Laboratories, Molecular Genetics and Genomics, ARUP Laboratories
Classification: Benign for Congenital lactic acidosis, Saguenay-Lac-Saint-Jean type. Last evaluated: 2023-11-22. Review status: criteria provided, single submitter. Criteria: ARUP Molecular Germline Variant Investigation Process 2024. Collection method: clinical testing. Allele origin: germline.

Genome-Nilou Lab
Classification: Benign for Congenital lactic acidosis, Saguenay-Lac-Saint-Jean type. Last evaluated: 2021-07-10. Review status: criteria provided, single submitter. Criteria: ACMG Guidelines, 2015. Collection method: clinical testing. Allele origin: germline. Affected: no.

Illumina Laboratory Services, Illumina
Classification: Benign for Congenital lactic acidosis, Saguenay-Lac-Saint-Jean type. Last evaluated: 2017-04-27. Review status: criteria provided, single submitter. Criteria: ICSL Variant Classification Criteria 13 December 2019. Collection method: clinical testing. Allele origin: germline.
Comment: This variant was observed as part of a predisposition screen in an ostensibly healthy population. A literature search was performed for the gene, cDNA change, and amino acid change (where applicable). No publications were found based on this search. Allele frequency data from public databases was too high to be consistent with this variant causing disease. Therefore, this variant is classified as benign.

GeneDx
Classification: Benign. Last evaluated: 2012-08-03. Review status: criteria provided, single submitter. Criteria: GeneDx Variant Classification (06012015). Collection method: clinical testing. Allele origin: germline. Affected: yes.
Comment: This variant is considered likely benign or benign based on one or more of the following criteria: it is a conservative change, it occurs at a poorly conserved position in the protein, it is predicted to be benign by multiple in silico algorithms, and/or has population frequency not consistent with disease.

Breakthrough Genomics
Classification: Benign. Review status: criteria provided, single submitter. Criteria: ACMG Guidelines, 2015. Collection method: not provided. Allele origin: germline. Inheritance: Autosomal recessive inheritance. Affected: yes.

Natera, Inc.
Classification: Benign for French-Canadian type Leigh syndrome. Last evaluated: 2020-09-16. Review status: no assertion criteria provided. Collection method: clinical testing. Allele origin: germline. Not counted in ClinVar's aggregate classification.

Mayo Clinic Laboratories, Mayo Clinic
Classification: Benign. Last evaluated: 2016-02-24. Review status: no assertion criteria provided. Collection method: clinical testing. Allele origin: unknown. Not counted in ClinVar's aggregate classification.

Dr. Peter K. Rogan Lab, Western University
No classification provided (evidence only). Condition: Melanoma. Review status: no classification provided. Collection method: in vitro. Allele origin: not applicable. Functional consequence: skipped exon. Not counted in ClinVar's aggregate classification.

Dr. Peter K. Rogan Lab, Western University
No classification provided (evidence only). Condition: Melanoma. Review status: no classification provided. Collection method: in vitro. Allele origin: not applicable. Functional consequence: retained intron. Not counted in ClinVar's aggregate classification.

Dr. Peter K. Rogan Lab, Western University
No classification provided (evidence only). Condition: Melanoma. Review status: no classification provided. Collection method: in vitro. Allele origin: not applicable. Functional consequence: retained intron. Not counted in ClinVar's aggregate classification.

Dr. Peter K. Rogan Lab, Western University
No classification provided (evidence only). Condition: Melanoma. Review status: no classification provided. Collection method: in vitro. Allele origin: not applicable. Functional consequence: retained intron. Not counted in ClinVar's aggregate classification.

Dr. Peter K. Rogan Lab, Western University
No classification provided (evidence only). Condition: Melanoma. Review status: no classification provided. Collection method: in vitro. Allele origin: not applicable. Functional consequence: skipped exon, retained intron. Not counted in ClinVar's aggregate classification.

Dr. Peter K. Rogan Lab, Western University
No classification provided (evidence only). Condition: Melanoma. Review status: no classification provided. Collection method: in vitro. Allele origin: not applicable. Functional consequence: retained intron. Not counted in ClinVar's aggregate classification.

Dr. Peter K. Rogan Lab, Western University
No classification provided (evidence only). Condition: Melanoma. Review status: no classification provided. Collection method: in vitro. Allele origin: not applicable. Functional consequence: retained intron. Not counted in ClinVar's aggregate classification.

Dr. Peter K. Rogan Lab, Western University
No classification provided (evidence only). Condition: Melanoma. Review status: no classification provided. Collection method: in vitro. Allele origin: not applicable. Functional consequence: retained intron. Not counted in ClinVar's aggregate classification.

Dr. Peter K. Rogan Lab, Western University
No classification provided (evidence only). Condition: Melanoma. Review status: no classification provided. Collection method: in vitro. Allele origin: not applicable. Functional consequence: retained intron. Not counted in ClinVar's aggregate classification.

Dr. Peter K. Rogan Lab, Western University
No classification provided (evidence only). Condition: Melanoma. Review status: no classification provided. Collection method: in vitro. Allele origin: not applicable. Functional consequence: retained intron. Not counted in ClinVar's aggregate classification.

Dr. Peter K. Rogan Lab, Western University
No classification provided (evidence only). Condition: Melanoma. Review status: no classification provided. Collection method: in vitro. Allele origin: not applicable. Functional consequence: retained intron. Not counted in ClinVar's aggregate classification.

Dr. Peter K. Rogan Lab, Western University
No classification provided (evidence only). Condition: Melanoma. Review status: no classification provided. Collection method: in vitro. Allele origin: not applicable. Functional consequence: retained intron. Not counted in ClinVar's aggregate classification.

Dr. Peter K. Rogan Lab, Western University
No classification provided (evidence only). Condition: Acute myeloid leukemia. Review status: no classification provided. Collection method: in vitro. Allele origin: not applicable. Functional consequence: retained intron. Not counted in ClinVar's aggregate classification.

Dr. Peter K. Rogan Lab, Western University
No classification provided (evidence only). Condition: Acute myeloid leukemia. Review status: no classification provided. Collection method: in vitro. Allele origin: not applicable. Functional consequence: retained intron. Not counted in ClinVar's aggregate classification.

Dr. Peter K. Rogan Lab, Western University
No classification provided (evidence only). Condition: Acute myeloid leukemia. Review status: no classification provided. Collection method: in vitro. Allele origin: not applicable. Functional consequence: retained intron. Not counted in ClinVar's aggregate classification.

Dr. Peter K. Rogan Lab, Western University
No classification provided (evidence only). Condition: Acute myeloid leukemia. Review status: no classification provided. Collection method: in vitro. Allele origin: not applicable. Functional consequence: retained intron. Not counted in ClinVar's aggregate classification.

Dr. Peter K. Rogan Lab, Western University
No classification provided (evidence only). Condition: Acute myeloid leukemia. Review status: no classification provided. Collection method: in vitro. Allele origin: not applicable. Functional consequence: retained intron. Not counted in ClinVar's aggregate classification.

Dr. Peter K. Rogan Lab, Western University
No classification provided (evidence only). Condition: Acute myeloid leukemia. Review status: no classification provided. Collection method: in vitro. Allele origin: not applicable. Functional consequence: retained intron. Not counted in ClinVar's aggregate classification.

Dr. Peter K. Rogan Lab, Western University
No classification provided (evidence only). Condition: Acute myeloid leukemia. Review status: no classification provided. Collection method: in vitro. Allele origin: not applicable. Functional consequence: retained intron. Not counted in ClinVar's aggregate classification.

Dr. Peter K. Rogan Lab, Western University
No classification provided (evidence only). Condition: Acute myeloid leukemia. Review status: no classification provided. Collection method: in vitro. Allele origin: not applicable. Functional consequence: retained intron. Not counted in ClinVar's aggregate classification.

Dr. Peter K. Rogan Lab, Western University
No classification provided (evidence only). Condition: Acute myeloid leukemia. Review status: no classification provided. Collection method: in vitro. Allele origin: not applicable. Functional consequence: retained intron. Not counted in ClinVar's aggregate classification.

Dr. Peter K. Rogan Lab, Western University
No classification provided (evidence only). Condition: Acute myeloid leukemia. Review status: no classification provided. Collection method: in vitro. Allele origin: not applicable. Functional consequence: retained intron. Not counted in ClinVar's aggregate classification.

Dr. Peter K. Rogan Lab, Western University
No classification provided (evidence only). Condition: Acute myeloid leukemia. Review status: no classification provided. Collection method: in vitro. Allele origin: not applicable. Functional consequence: retained intron. Not counted in ClinVar's aggregate classification.